The following is an entry in ClinVar:

NM_001129.5(AEBP1):c.919G>A (p.Val307Met)

Gene: AEBP1 (AE binding protein 1; plus strand). Cytogenetic location: 7p13.
Variant type: single nucleotide variant.
Coding change: c.919G>A on transcript NM_001129.5 (MANE Select); coding-DNA position 919, G replaced by A.
Protein change: p.Val307Met; replaces valine 307 with methionine.
Molecular consequence: missense variant.
Genome position (GRCh38, 1-based): chr7:44,108,063, G>A. VCF-style: chr7-44108063-G-A. GRCh37 (hg19) VCF-style: chr7-44147662-G-A.
Other names: c.919G>A (NM_001129.4); short protein forms V307M.
Identifiers: ClinVar variation 1434078 (VCV001434078.10), dbSNP rs138067786, ClinGen allele CA4237675.

ClinVar aggregate classification (germline): Likely benign. Review status: criteria provided, multiple submitters, no conflicts (2 of 4 stars). 3 submissions from 3 submitters: Likely benign (2). 1 of the submissions does not count toward it. Last evaluated 2025-12-26.

Conditions:
AEBP1-related disorder. Also called: AEBP1-related condition.

Allele frequency attached by ClinVar (database versions not stated): gnomAD exomes 0.00025; ExAC 0.00057; 1000 Genomes Project 0.00060; 1000 Genomes Project 30x 0.00078; gnomAD 0.00101 and 0.00114; TOPMed 0.00110; ESP Exome Variant Server 0.00146.
gnomAD v4.1: 343 of 1,602,668 alleles (0.021%); highest among the groups gnomAD compares: African/African-American, 0.37%; 1 homozygote.

Submissions (3):

Women's Health and Genetics/Laboratory Corporation of America, LabCorp
Classification: Likely benign. Last evaluated: 2025-12-26. Review status: criteria provided, single submitter. Criteria: LabCorp Variant Classification Summary - May 2015. Collection method: clinical testing. Allele origin: germline.
Comment: Variant summary: AEBP1 c.919G>A (p.Val307Met) results in a conservative amino acid change in the encoded protein sequence. Algorithms developed to predict the effect of missense changes on protein structure and function all suggest that this variant is likely to be tolerated. The variant allele was found at a frequency of 0.00025 in 233940 control chromosomes, predominantly at a frequency of 0.0035 within the African or African-American subpopulation in the gnomAD database. The observed variant frequency within African or African-American control individuals in the gnomAD database exceeds the estimated maximal expected allele frequency for disease-causing variants in AEBP1. To our knowledge, no occurrence of c.919G>A in individuals affected with AEBP1-related conditions and no experimental evidence demonstrating its impact on protein function have been reported. ClinVar contains an entry for this variant (Variation ID: 1434078). Based on the evidence outlined above, the variant was classified as likely benign.

Labcorp Genetics (formerly Invitae), Labcorp
Classification: Likely benign. Last evaluated: 2025-12-24. Review status: criteria provided, single submitter. Criteria: Invitae Variant Classification Sherloc (09022015). Collection method: clinical testing. Allele origin: germline.

PreventionGenetics, part of Exact Sciences
Classification: Likely benign for AEBP1-related condition. Last evaluated: 2024-08-27. Review status: no assertion criteria provided. Collection method: clinical testing. Allele origin: germline. Not counted in ClinVar's aggregate classification.
Comment: This variant is classified as likely benign based on ACMG/AMP sequence variant interpretation guidelines (Richards et al. 2015 PMID: 25741868, with internal and published modifications).